The following is an entry in ClinVar:

NM_173560.4(RFX6):c.1465A>T (p.Lys489Ter)

Gene: RFX6 (regulatory factor X6; plus strand). Cytogenetic location: 6q22.1.
Variant type: single nucleotide variant.
Coding change: c.1465A>T on transcript NM_173560.4 (MANE Select); coding-DNA position 1465, A replaced by T.
Protein change: p.Lys489Ter; replaces lysine 489 with a stop codon.
Molecular consequence: nonsense.
Genome position (GRCh38, 1-based): chr6:116,923,134, A>T. VCF-style: chr6-116923134-A-T. GRCh37 (hg19) VCF-style: chr6-117244297-A-T.
Other names: short protein forms K489*.
Identifiers: ClinVar variation 4728673 (VCV004728673.1).

ClinVar aggregate classification (germline): Pathogenic (1 of 4 stars; one submission).

Submission:

Labcorp Genetics (formerly Invitae), Labcorp
Classification: Pathogenic. Last evaluated: 2025-10-07. Review status: criteria provided, single submitter. Criteria: Invitae Variant Classification Sherloc (09022015). Collection method: clinical testing. Allele origin: germline.
Comment: This sequence change creates a premature translational stop signal (p.Lys489*) in the RFX6 gene. It is expected to result in an absent or disrupted protein product. Loss-of-function variants in RFX6 are known to be pathogenic (PMID: 20148032). This variant is not present in population databases (gnomAD no frequency). This variant has not been reported in the literature in individuals affected with RFX6-related conditions. Algorithms developed to predict the effect of sequence changes on RNA splicing suggest that this variant may disrupt the consensus splice site. For these reasons, this variant has been classified as Pathogenic.

Literature cited by the submitters: PubMed 20148032.